The following is an entry in ClinVar:

NM_001972.4(ELANE):c.442G>T (p.Gly148Trp)

Gene: ELANE (elastase, neutrophil expressed; plus strand). Cytogenetic location: 19p13.3.
Variant type: single nucleotide variant.
Coding change: c.442G>T on transcript NM_001972.4 (MANE Select); coding-DNA position 442, G replaced by T.
Protein change: p.Gly148Trp; replaces glycine 148 with tryptophan.
Molecular consequence: missense variant.
Genome position (GRCh38, 1-based): chr19:855,639, G>T. VCF-style: chr19-855639-G-T. GRCh37 (hg19) VCF-style: chr19-855639-G-T.
Other names: short protein forms G148W.
Identifiers: ClinVar variation 3507767 (VCV003507767.1).

ClinVar aggregate classification (germline): Uncertain significance (1 of 4 stars; one submission).

Conditions:
Inborn genetic diseases. Identifiers: MedGen C0950123, MeSH D030342.

Submission:

Ambry Genetics
Classification: Uncertain significance for Inborn genetic diseases. Last evaluated: 2024-12-03. Review status: criteria provided, single submitter. Criteria: Ambry Variant Classification Scheme 2023. Collection method: clinical testing. Allele origin: germline.
Comment: The p.G148W variant (also known as c.442G>T), located in coding exon 4 of the ELANE gene, results from a G to T substitution at nucleotide position 442. The glycine at codon 148 is replaced by tryptophan, an amino acid with highly dissimilar properties. This amino acid position is conserved. In addition, this alteration is predicted to be deleterious by in silico analysis. Based on the available evidence, the clinical significance of this variant remains unclear.